The following is an entry in ClinVar:

NM_003809.3(TNFSF12):c.710C>T (p.Ala237Val)

Genes: TNFSF12 (TNF superfamily member 12; plus strand), TNFSF12-TNFSF13 (TNFSF12-TNFSF13 readthrough; plus strand). Cytogenetic location: 17p13.1.
Variant type: single nucleotide variant.
Coding change: c.710C>T on transcript NM_003809.3 (MANE Select); coding-DNA position 710, C replaced by T.
Protein change: p.Ala237Val; replaces alanine 237 with valine.
Molecular consequence: missense variant. On other transcripts: non-coding transcript variant (1), intron variant (1).
Genome position (GRCh38, 1-based): chr17:7,557,310, C>T. VCF-style: chr17-7557310-C-T. GRCh37 (hg19) VCF-style: chr17-7460627-C-T.
Other names: c.498+408C>T (NM_172089.4); short protein forms A237V.
Identifiers: ClinVar variation 4746232 (VCV004746232.1).
Genomic context (GRCh38, chr17:7,557,310, plus strand): 5'-CCCTGCGGCCAGGGTCCTCCCTGCGGATCCGCACCCTCCCCTGGGCCCATCTCAAGGCTG[C>T]CCCCTTCCTCACCTACTTCGGACTCTTCCAGGTTCACTGAGGGGCCCTGGTCTCCCCGCA-3'
Protein context (NP_003800.1, residues 227-247): RTLPWAHLKA[Ala237Val]PFLTYFGLFQ

ClinVar aggregate classification (germline): Uncertain significance (1 of 4 stars; one submission).

Conditions:
Common variable immunodeficiency (CVID). Also called: Common variable hypogamma-globulinemia; Common variable agammaglobulinemia. Identifiers: Orphanet 1572, MedGen C0009447, MONDO:0015517.

gnomAD v4.1: 2 of 1,611,650 alleles (0.00012%); highest among the groups gnomAD compares: East Asian, 0.0022%; no homozygotes.

Submission:

Labcorp Genetics (formerly Invitae), Labcorp
Classification: Uncertain significance for Common variable immunodeficiency. Last evaluated: 2025-12-02. Review status: criteria provided, single submitter. Criteria: Invitae Variant Classification Sherloc (09022015). Collection method: clinical testing. Allele origin: germline.
Comment: This sequence change replaces alanine, which is neutral and non-polar, with valine, which is neutral and non-polar, at codon 237 of the TNFSF12 protein (p.Ala237Val). The frequency data for this variant in the population databases is considered unreliable, as metrics indicate poor data quality at this position in the gnomAD database. This variant has not been reported in the literature in individuals affected with TNFSF12-related conditions. An algorithm developed to predict the effect of missense changes on protein structure and function (PolyPhen-2) suggests that this variant is likely to be disruptive. In summary, the available evidence is currently insufficient to determine the role of this variant in disease. Therefore, it has been classified as a Variant of Uncertain Significance.